The following is an entry in ClinVar:

NM_000747.3(CHRNB1):c.1379G>C (p.Trp460Ser)

Gene: CHRNB1 (cholinergic receptor nicotinic beta 1 subunit; plus strand). Cytogenetic location: 17p13.1.
Variant type: single nucleotide variant.
Coding change: c.1379G>C on transcript NM_000747.3 (MANE Select); coding-DNA position 1379, G replaced by C.
Protein change: p.Trp460Ser; replaces tryptophan 460 with serine.
Molecular consequence: missense variant.
Genome position (GRCh38, 1-based): chr17:7,456,596, G>C. VCF-style: chr17-7456596-G-C. GRCh37 (hg19) VCF-style: chr17-7359915-G-C.
Other names: short protein forms W460S.
Identifiers: ClinVar variation 3688204 (VCV003688204.2).

ClinVar aggregate classification (germline): Uncertain significance (1 of 4 stars; one submission).

Conditions:
Congenital myasthenic syndrome 2A. Also called: Myasthenic syndrome, congenital, 2a, slow-channel. Identifiers: Orphanet 590, MedGen C4225374, MONDO:0014581, OMIM 616313.

Submission:

Labcorp Genetics (formerly Invitae), Labcorp
Classification: Uncertain significance for Congenital myasthenic syndrome 2A. Last evaluated: 2024-08-06. Review status: criteria provided, single submitter. Criteria: Invitae Variant Classification Sherloc (09022015). Collection method: clinical testing. Allele origin: germline.
Comment: This sequence change replaces tryptophan, which is neutral and slightly polar, with serine, which is neutral and polar, at codon 460 of the CHRNB1 protein (p.Trp460Ser). This variant is not present in population databases (gnomAD no frequency). This variant has not been reported in the literature in individuals affected with CHRNB1-related conditions. Advanced modeling of protein sequence and biophysical properties (such as structural, functional, and spatial information, amino acid conservation, physicochemical variation, residue mobility, and thermodynamic stability) performed at Invitae indicates that this missense variant is expected to disrupt CHRNB1 protein function with a positive predictive value of 80%. In summary, the available evidence is currently insufficient to determine the role of this variant in disease. Therefore, it has been classified as a Variant of Uncertain Significance.